The following is an entry in ClinVar:

ClinVar aggregate classification (germline): Pathogenic (1 of 4 stars; one submission).

Submission:

Labcorp Genetics (formerly Invitae), Labcorp
Classification: Pathogenic. Last evaluated: 2025-11-01. Review status: criteria provided, single submitter. Criteria: Invitae Variant Classification Sherloc (09022015). Collection method: clinical testing. Allele origin: germline.
Comment: This sequence change affects a donor splice site in intron 22 of the SEC24D gene. While this variant is not anticipated to result in nonsense mediated decay, it likely alters RNA splicing and results in a disrupted protein product. This variant is not present in population databases (gnomAD no frequency). This variant has not been reported in the literature in individuals affected with SEC24D-related conditions. Variants that disrupt the consensus splice site are a relatively common cause of aberrant splicing (PMID: 17576681, 9536098). Algorithms developed to predict the effect of sequence changes on RNA splicing suggest that this variant may disrupt the consensus splice site. This variant disrupts a region of the SEC24D protein in which other variant(s) (p.Ser1015Phe) have been determined to be pathogenic (PMID: 25683121). This suggests that this is a clinically significant region of the protein, and that variants that disrupt it are likely to be disease-causing. For these reasons, this variant has been classified as Pathogenic.

Literature cited by the submitters: PubMed 17576681; PubMed 9536098; PubMed 25683121.

NM_014822.4(SEC24D):c.2958+1G>T

Gene: SEC24D (SEC24 homolog D, COPII component; minus strand). Cytogenetic location: 4q26.
Variant type: single nucleotide variant.
Coding change: c.2958+1G>T on transcript NM_014822.4 (MANE Select); the canonical splice donor site of the intron after coding-DNA position 2958, G replaced by T.
Molecular consequence: splice donor variant.
Genome position (GRCh38, 1-based): chr4:118,728,560, C>A on the plus strand (G>T on the coding strand, the complement: SEC24D is on the minus strand). VCF-style: chr4-118728560-C-A. GRCh37 (hg19) VCF-style: chr4-119649715-C-A.
Other names: c.2961+1G>T (NM_001318066.2).
Identifiers: ClinVar variation 4727455 (VCV004727455.1).